The following is an entry in ClinVar:

NM_001195263.2(PDZD7):c.728A>G (p.His243Arg)

Gene: PDZD7 (PDZ domain containing 7; minus strand). Cytogenetic location: 10q24.31.
Variant type: single nucleotide variant.
Coding change: c.728A>G on transcript NM_001195263.2 (MANE Select); coding-DNA position 728, A replaced by G.
Protein change: p.His243Arg; replaces histidine 243 with arginine.
Molecular consequence: missense variant.
Genome position (GRCh38, 1-based): chr10:101,021,937, T>C on the plus strand (A>G on the coding strand, the complement: PDZD7 is on the minus strand). VCF-style: chr10-101021937-T-C. GRCh37 (hg19) VCF-style: chr10-102781694-T-C.
Other names: c.728A>G, p.His243Arg (NM_001351044.2, NM_024895.5); short protein forms H243R.
Identifiers: ClinVar variation 960287 (VCV000960287.8), dbSNP rs775052781, ClinGen allele CA5654268.

ClinVar aggregate classification (germline): Uncertain significance. Review status: criteria provided, multiple submitters, no conflicts (2 of 4 stars). 3 submissions from 3 submitters: Uncertain significance (3). Last evaluated 2024-02-17.

Conditions:
Inborn genetic diseases. Identifiers: MedGen C0950123, MeSH D030342.

Allele frequency attached by ClinVar (database versions not stated): gnomAD 0.00001 and 0.00003; gnomAD exomes 0.00001 and 0.00006; TOPMed 0.00003; ExAC 0.00005.
gnomAD v4.1: 19 of 1,614,140 alleles (0.0012%); highest among the groups gnomAD compares: East Asian, 0.042%; no homozygotes.

Submissions (3):

Ambry Genetics
Classification: Uncertain significance for Inborn genetic diseases. Last evaluated: 2024-02-17. Review status: criteria provided, single submitter. Criteria: Ambry Variant Classification Scheme 2023. Collection method: clinical testing. Allele origin: germline.

GeneDx
Classification: Uncertain significance. Last evaluated: 2024-01-22. Review status: criteria provided, single submitter. Criteria: GeneDx Variant Classification Process June 2021. Collection method: clinical testing. Allele origin: germline. Affected: yes.
Comment: In silico analysis supports that this missense variant does not alter protein structure/function; Has not been previously published as pathogenic or benign to our knowledge

Labcorp Genetics (formerly Invitae), Labcorp
Classification: Uncertain significance. Last evaluated: 2022-07-18. Review status: criteria provided, single submitter. Criteria: Invitae Variant Classification Sherloc (09022015). Collection method: clinical testing. Allele origin: germline.
Comment: This sequence change replaces histidine, which is basic and polar, with arginine, which is basic and polar, at codon 243 of the PDZD7 protein (p.His243Arg). This variant is present in population databases (rs775052781, gnomAD 0.08%). This variant has not been reported in the literature in individuals affected with PDZD7-related conditions. ClinVar contains an entry for this variant (Variation ID: 960287). Algorithms developed to predict the effect of missense changes on protein structure and function output the following: SIFT: "Tolerated"; PolyPhen-2: "Not Available"; Align-GVGD: "Class C0". The arginine amino acid residue is found in multiple mammalian species, which suggests that this missense change does not adversely affect protein function. In summary, the available evidence is currently insufficient to determine the role of this variant in disease. Therefore, it has been classified as a Variant of Uncertain Significance.